The following is an entry in ClinVar:

ClinVar aggregate classification (germline): Pathogenic (1 of 4 stars; one submission).

Submission:

GeneDx
Classification: Pathogenic. Last evaluated: 2025-05-27. Review status: criteria provided, single submitter. Criteria: GeneDx Variant Classification Process June 2021. Collection method: clinical testing. Allele origin: germline. Affected: yes.
Comment: Previously reported as a de novo variant in an individual with DandyWalker malformation and anterior commissure agenesis as well as dysmorphic facial features; an inherited variant in another gene associated with this phenotype was also observed (PMID: 34946966); Not observed at significant frequency in large population cohorts (gnomAD); Missense variants in this gene are a common cause of disease and they are underrepresented in the general population; In silico analysis supports that this missense variant has a deleterious effect on protein structure/function; This variant is associated with the following publications: (PMID: Vita[book]2021, 34946966, 27010057)

NM_178012.5(TUBB2B):c.1171C>T (p.Arg391Cys)

Gene: TUBB2B (tubulin beta 2B class IIb; minus strand). Cytogenetic location: 6p25.2.
Variant type: single nucleotide variant.
Coding change: c.1171C>T on transcript NM_178012.5 (MANE Select); coding-DNA position 1171, C replaced by T.
Protein change: p.Arg391Cys; replaces arginine 391 with cysteine.
Molecular consequence: missense variant.
Genome position (GRCh38, 1-based): chr6:3,224,918, G>A on the plus strand (C>T on the coding strand, the complement: TUBB2B is on the minus strand). VCF-style: chr6-3224918-G-A. GRCh37 (hg19) VCF-style: chr6-3225152-G-A.
Other names: short protein forms R391C.
Identifiers: ClinVar variation 2578313 (VCV002578313.3), dbSNP rs2533616954, ClinGen allele CA362585076.